The following is an entry in ClinVar:

ClinVar aggregate classification (germline): Pathogenic/Likely pathogenic. Review status: criteria provided, multiple submitters, no conflicts (2 of 4 stars). 2 submissions from 2 submitters: Pathogenic (1); Likely pathogenic (1). Last evaluated 2026-09-03.

Conditions:
Hereditary cancer-predisposing syndrome. Also called: Neoplastic Syndromes, Hereditary; Tumor predisposition; Hereditary Cancer Syndrome; Hereditary neoplastic syndrome. Identifiers: Orphanet 140162, MedGen C0027672, MeSH D009386, MONDO:0015356.
Peutz-Jeghers syndrome (PJS). Also called: POLYPOSIS, HAMARTOMATOUS INTESTINAL; POLYPS-AND-SPOTS SYNDROME; Peutz-Jeghers polyposis; Periorificial lentiginosis syndrome. Identifiers: Orphanet 2869, MedGen C0031269, MeSH D010580, MONDO:0008280, OMIM 175200.

Submissions (2):

Ambry Genetics
Classification: Pathogenic for Hereditary cancer-predisposing syndrome. Last evaluated: 2026-09-03. Review status: criteria provided, single submitter. Criteria: Ambry Variant Classification Scheme 2023. Collection method: clinical testing. Allele origin: germline.
Comment: The p.W332* pathogenic mutation (also known as c.996G>A), located in coding exon 8 of the STK11 gene, results from a G to A substitution at nucleotide position 996. This changes the amino acid from a tryptophan to a stop codon within coding exon 8. This variant is considered to be rare based on population cohorts in the Genome Aggregation Database (gnomAD). This alteration is expected to result in loss of function by premature protein truncation or nonsense-mediated mRNA decay. As such, this alteration is interpreted as a disease-causing mutation.

Institute of Human Genetics, University of Leipzig Medical Center
Classification: Likely pathogenic for Peutz-Jeghers syndrome. Last evaluated: 2026-08-11. Review status: criteria provided, single submitter. Criteria: ACMG Guidelines, 2015. Collection method: clinical testing. Allele origin: unknown. Affected: yes.

NM_000455.5(STK11):c.996G>A (p.Trp332Ter)

Genes: STK11 (serine/threonine kinase 11; plus strand), LOC130062899 (ATAC-STARR-seq lymphoblastoid active region 13597; plus strand). Cytogenetic location: 19p13.3.
Variant type: single nucleotide variant.
Coding change: c.996G>A on transcript NM_000455.5 (MANE Select); coding-DNA position 996, G replaced by A.
Protein change: p.Trp332Ter; replaces tryptophan 332 with a stop codon.
Molecular consequence: nonsense.
Genome position (GRCh38, 1-based): chr19:1,223,060, G>A. VCF-style: chr19-1223060-G-A. GRCh37 (hg19) VCF-style: chr19-1223059-G-A.
Other names: c.996G>A (NM_000455.4); short protein forms W332*.
Identifiers: ClinVar variation 4890761 (VCV004890761.2), dbSNP rs121913325.